The following is an entry in ClinVar:

ClinVar aggregate classification (germline): Pathogenic/Likely pathogenic. Review status: criteria provided, multiple submitters, no conflicts (2 of 4 stars). 6 submissions from 6 submitters: Pathogenic (5); Likely pathogenic (1). Last evaluated 2025-11-13.

Conditions:
Deficiency of acetyl-CoA acetyltransferase. Also called: Beta-ketothiolase deficiency; 3-KETOTHIOLASE DEFICIENCY; 3-OXOTHIOLASE DEFICIENCY; MITOCHONDRIAL ACETOACETYL-CoA THIOLASE DEFICIENCY. Identifiers: Orphanet 134, MedGen C1536500, MONDO:0008760, OMIM 203750. Disease mechanism: loss of function.

Allele frequency attached by ClinVar (database versions not stated): gnomAD exomes 0.00001.

Submissions (6):

Myriad Genetics, Inc.
Classification: Likely pathogenic for Deficiency of acetyl-CoA acetyltransferase. Last evaluated: 2025-11-13. Review status: criteria provided, single submitter. Criteria: Myriad Autosomal Dominant, Autosomal Recessive and X-Linked Classification Criteria (2023). Collection method: clinical testing. Allele origin: unknown.
Comment: NM_000019.3(ACAT1):c.1A>G(M1?) is an initiation codon variant classified as likely pathogenic in the context of beta-ketothiolase deficiency. M1? has been observed in a case with relevant disease (PMID: 28220263). Relevant functional assessments of this variant are available in the literature (PMID: 12754704). M1? has been observed in referenced population frequency databases. In summary, NM_000019.3(ACAT1):c.1A>G(M1?) is an initiation codon variant that has functional support for pathogenicity and has been observed more frequently in cases with the relevant disease than in healthy populations. Please note: this variant was assessed in the context of healthy population screening.

Labcorp Genetics (formerly Invitae), Labcorp
Classification: Pathogenic for Deficiency of acetyl-CoA acetyltransferase. Last evaluated: 2025-11-05. Review status: criteria provided, single submitter. Criteria: Invitae Variant Classification Sherloc (09022015). Collection method: clinical testing. Allele origin: germline.
Comment: This sequence change affects the initiator codon of the ACAT1 mRNA. This change may impact translation initiation or efficiency. The next in-frame methionine is located at codon 91. The frequency data for this variant in the population databases is considered unreliable, as metrics indicate poor data quality at this position in the gnomAD database. Disruption of the initiator codon has been observed in individual(s) with beta-ketothiolase deficiency (PMID: 12754704, 28220263). In at least one individual the data is consistent with being in trans (on the opposite chromosome) from a pathogenic variant. ClinVar contains an entry for this variant (Variation ID: 666460). Algorithms developed to predict the effect of variants on gene product structure and function are not available or were not evaluated for this variant. Experimental studies have shown that disruption of the initiator codon affects ACAT1 function (PMID: 12754704). For these reasons, this variant has been classified as Pathogenic.

Natera, Inc.
Classification: Pathogenic for Alpha-methylacetoacetic aciduria. Last evaluated: 2024-09-05. Review status: criteria provided, single submitter. Criteria: Natera Variant Classification Schema (03/2026). Collection method: clinical testing. Allele origin: germline.
Comment: The c.1A>G variant in ACAT1 is predicted to result in start loss due to disruption of the initiator methionine. This variant is expected to result in nonsense mediated decay, truncation, or a dysfunctional protein product. This variant is rare in the general population with a frequency below the threshold expected for the associated phenotype(s). This variant has been observed in one or more individuals affected with the associated recessive disease, as either homozygous or compound heterozygous with a second variant (PMID: 28220263). Given the available evidence, this variant is classified as Pathogenic.

Fulgent Genetics
Classification: Pathogenic for Deficiency of acetyl-CoA acetyltransferase. Last evaluated: 2024-05-11. Review status: criteria provided, single submitter. Criteria: ACMG Guidelines, 2015. Collection method: clinical testing. Allele origin: germline.

Department of Pediatrics, Gifu University
Classification: Pathogenic for Deficiency of acetyl-CoA acetyltransferase. Last evaluated: 2019-05-05. Review status: criteria provided, single submitter. Criteria: ACMG Guidelines, 2015. Collection method: research. Allele origin: germline. Affected: yes. Observed: 2 variant alleles.

Neuberg Centre For Genomic Medicine, NCGM
Classification: Pathogenic for Deficiency of acetyl-CoA acetyltransferase. Review status: criteria provided, single submitter. Criteria: ACMG Guidelines, 2015. Collection method: clinical testing. Allele origin: germline. Inheritance: Autosomal recessive inheritance. Affected: yes.
Comment: The initiator codon variant p.M1V in ACAT1 (NM_000019.4) has been previously reported in individuals affected with mitochondrial acetoacetyl-CoA thiolase (T2) deficiency (Abdelkreem et al, 2019; Nguyen et al, 2017). The variant is reported to have reduced translational efficiency (11%) (Fukao, Matsuo, et al, 2003). The p.M1V variant is has a gnomAD frequency of 0.0006620 %. The p.M1V variant is a loss of function variant in the gene ACAT1, which is intolerant of Loss of Function variants. The variant is predicted to be damaging by SIFT and the residue is conserved across species. The nucleotide change in ACAT1 is predicted as conserved by GERP++ and PhyloP across 100 vertebrates. For these reasons, this variant has been classified as Pathogenic.

Literature cited by the submitters: PubMed 12754704 (cited by 3 submitters); PubMed 28220263 (cited by 4 submitters); PubMed 31268215 (cited by Department of Pediatrics, Gifu University).

NM_000019.4(ACAT1):c.1A>G (p.Met1Val)

Gene: ACAT1 (acetyl-CoA acetyltransferase 1; plus strand). Cytogenetic location: 11q22.3.
Variant type: single nucleotide variant.
Coding change: c.1A>G on transcript NM_000019.4 (MANE Select); coding-DNA position 1, A replaced by G.
Protein change: p.Met1Val; changes the start codon (methionine 1).
Molecular consequence: missense variant, initiator codon variant.
Genome position (GRCh38, 1-based): chr11:108,121,607, A>G. VCF-style: chr11-108121607-A-G. GRCh37 (hg19) VCF-style: chr11-107992334-A-G.
Other names: short protein forms M1V.
Identifiers: ClinVar variation 666460 (VCV000666460.11), dbSNP rs1305448140, ClinGen allele CA382505477.